The following is an entry in ClinVar:

ClinVar aggregate classification (germline): Uncertain significance (1 of 4 stars; one submission).

Conditions:
Alstrom syndrome (ALMS). Identifiers: Orphanet 64, MedGen C0268425, MONDO:0008763, OMIM 203800.

Allele frequency attached by ClinVar (database versions not stated): gnomAD exomes below 0.00001.
gnomAD v4.1: 1 of 1,614,054 alleles (0.000062%); highest among the groups gnomAD compares: Admixed American, 0.0017%; no homozygotes.

Submission:

Labcorp Genetics (formerly Invitae), Labcorp
Classification: Uncertain significance for Alstrom syndrome. Last evaluated: 2021-11-27. Review status: criteria provided, single submitter. Criteria: Invitae Variant Classification Sherloc (09022015). Collection method: clinical testing. Allele origin: germline.
Comment: In summary, the available evidence is currently insufficient to determine the role of this variant in disease. Therefore, it has been classified as a Variant of Uncertain Significance. Experimental studies and prediction algorithms are not available or were not evaluated, and the functional significance of this variant is currently unknown. This variant has not been reported in the literature in individuals affected with ALMS1-related conditions. This variant is present in population databases (no rsID available, gnomAD 0.003%). This sequence change replaces valine, which is neutral and non-polar, with leucine, which is neutral and non-polar, at codon 3366 of the ALMS1 protein (p.Val3366Leu).

NM_001378454.1(ALMS1):c.10093G>T (p.Val3365Leu)

Gene: ALMS1 (ALMS1 centrosome and basal body associated protein; plus strand). Cytogenetic location: 2p13.1.
Variant type: single nucleotide variant.
Coding change: c.10093G>T on transcript NM_001378454.1 (MANE Select); coding-DNA position 10093, G replaced by T.
Protein change: p.Val3365Leu; replaces valine 3365 with leucine.
Molecular consequence: missense variant.
Genome position (GRCh38, 1-based): chr2:73,557,234, G>T. VCF-style: chr2-73557234-G-T. GRCh37 (hg19) VCF-style: chr2-73784361-G-T.
Other names: c.10096G>T, p.Val3366Leu (NM_015120.4); short protein forms V3366L, V3365L.
Identifiers: ClinVar variation 1491575 (VCV001491575.6), dbSNP rs1316719149, ClinGen allele CA347276173.
Genomic context (GRCh38, chr2:73,557,234, plus strand): 5'-TTTATTATCTTTCCTTTTCTGAAATCAAATGATGTCGTTATTCCAGATGCCTCAGTTCAA[G>T]TGCTAATCACTGGGGATGAGAACCTCTCAGACAAAAAACAGCAAGAGATTCACAGTACAA-3'
Protein context (NP_001365383.1, residues 3355-3375): QNENADASVQ[Val3365Leu]LITGDENLSD